The following is an entry in ClinVar:

NM_015346.4(ZFYVE26):c.2067C>T (p.Leu689=)

Gene: ZFYVE26 (zinc finger FYVE-type containing 26; minus strand). Cytogenetic location: 14q24.1.
Variant type: single nucleotide variant.
Coding change: c.2067C>T on transcript NM_015346.4 (MANE Select); coding-DNA position 2067, C replaced by T.
Protein change: p.Leu689=; no amino-acid change (leucine 689 retained).
Molecular consequence: synonymous variant.
Genome position (GRCh38, 1-based): chr14:67,798,195, G>A on the plus strand (C>T on the coding strand, the complement: ZFYVE26 is on the minus strand). VCF-style: chr14-67798195-G-A. GRCh37 (hg19) VCF-style: chr14-68264912-G-A.
Other names: p.Leu689=.
Identifiers: ClinVar variation 193903 (VCV000193903.57), dbSNP rs141880939, ClinGen allele CA200844.
Genomic context (GRCh38, chr14:67,798,195, plus strand): 5'-CTTTGGCTTCTCAGGAGGGCTGCGGCTACTGATCTCATCCAGTTGCTCTTGGAGAAGCCT[G>A]AGGAAGGCCCCTATTGCAAATTCATCAGCCAGAAATCCACTGATACCACTAGTAAAGTGT-3'
Protein context (NP_056161.2, residues 679-699): LADEFAIGAF[Leu689=]RLLQEQLDEI

ClinVar aggregate classification (germline): Conflicting classifications of pathogenicity. Review status: criteria provided, conflicting classifications (1 of 4 stars). 8 submissions from 8 submitters: Uncertain significance (1); Benign (1); Likely benign (6). Last evaluated 2026-08-01.

Conditions:
Spastic paraplegia. Identifiers: MedGen C0037772, HP:0001258.
Hereditary spastic paraplegia 15 (SPG15). Also called: KJELLIN SYNDROME; SPASTIC PARAPLEGIA 15, AUTOSOMAL RECESSIVE; SPASTIC PARAPLEGIA AND RETINAL DEGENERATION. Identifiers: Orphanet 100996, MedGen C1849128, MONDO:0010044, OMIM 270700.

Allele frequency attached by ClinVar (database versions not stated): 1000 Genomes Project 0.00120; 1000 Genomes Project 30x 0.00125; ESP Exome Variant Server 0.00138; TOPMed 0.00172.
gnomAD v4.1: 3,473 of 1,614,190 alleles (0.22%); highest among the groups gnomAD compares: Non-Finnish European, 0.24%; 14 homozygotes.

Submissions (8):

CeGaT Center for Human Genetics Tuebingen
Classification: Likely benign. Last evaluated: 2026-08-01. Review status: criteria provided, single submitter. Criteria: CeGaT Center For Human Genetics Tuebingen Variant Classification Criteria Version 2. Collection method: clinical testing. Allele origin: germline. Affected: yes. Observed: 15 variant alleles.
Comment: ZFYVE26: BP4, BP7

Labcorp Genetics (formerly Invitae), Labcorp
Classification: Benign for Spastic paraplegia. Last evaluated: 2026-02-02. Review status: criteria provided, single submitter. Criteria: Invitae Variant Classification Sherloc (09022015). Collection method: clinical testing. Allele origin: germline.

Mayo Clinic Laboratories, Mayo Clinic
Classification: Likely benign. Last evaluated: 2024-12-10. Review status: criteria provided, single submitter. Criteria: ACMG Guidelines, 2015. Collection method: clinical testing. Allele origin: germline. Observed: 7 variant alleles.
Comment: BS1, BP4, BP7

Blueprint Genetics
Classification: Likely benign. Last evaluated: 2024-11-25. Review status: criteria provided, single submitter. Criteria: ACMG Guidelines, 2015. Collection method: clinical testing. Allele origin: germline.

GeneDx
Classification: Likely benign. Last evaluated: 2020-12-02. Review status: criteria provided, single submitter. Criteria: GeneDx Variant Classification Process June 2021. Collection method: clinical testing. Allele origin: germline. Affected: yes.

Athena Diagnostics
Classification: Likely benign. Last evaluated: 2018-03-30. Review status: criteria provided, single submitter. Criteria: Athena Diagnostics Criteria. Collection method: clinical testing. Allele origin: germline.

Illumina Laboratory Services, Illumina
Classification: Uncertain significance for Hereditary spastic paraplegia 15. Last evaluated: 2018-01-12. Review status: criteria provided, single submitter. Criteria: ICSL Variant Classification Criteria 13 December 2019. Collection method: clinical testing. Allele origin: germline.

Eurofins Ntd Llc (ga)
Classification: Likely benign. Last evaluated: 2015-04-24. Review status: criteria provided, single submitter. Criteria: EGL Classification Definitions 2015. Collection method: clinical testing. Allele origin: germline. Observed: 1 variant allele, 1 heterozygote.